The following is an entry in ClinVar:

NM_001127511.3(APC):c.166-28774C>T

Gene: APC (APC regulator of Wnt signaling pathway; plus strand). Cytogenetic location: 5q22.2.
Variant type: single nucleotide variant.
Coding change: c.166-28774C>T on transcript NM_001127511.3; 28774 bases into the intron before coding-DNA position 166, C replaced by T.
Molecular consequence: intron variant.
Genome position (GRCh38, 1-based): chr5:112,737,552, C>T. VCF-style: chr5-112737552-C-T. GRCh37 (hg19) VCF-style: chr5-112073249-C-T.
Other names: c.-42-28774C>T (NM_001407453.1); c.-18-17321C>T (NM_001407447.1, NM_001354895.2, NM_001407456.1 and 7 more transcripts); c.166-28774C>T (NM_001407446.1, NM_001354897.2, NM_001354902.2); c.-1053-17321C>T (NM_001407470.1, NM_001407472.1).
Identifiers: ClinVar variation 4989134 (VCV004989134.1).

ClinVar aggregate classification (germline): Likely benign (1 of 4 stars; one submission).

Conditions:
APC-related disorder. Also called: APC-related condition.

gnomAD v4.1: 2 of 152,244 alleles (0.0013%); highest among the groups gnomAD compares: African/African-American, 0.0024%; no homozygotes.

Submission:

PreventionGenetics, part of Exact Sciences
Classification: Likely benign for APC-related condition. Last evaluated: 2026-07-30. Review status: criteria provided, single submitter. Criteria: ACMG Guidelines, 2015. Collection method: clinical testing. Allele origin: germline.
Comment: This variant is classified as likely benign based on ACMG/AMP sequence variant interpretation guidelines (Richards et al. 2015 PMID: 25741868, with internal and published modifications).